The following is an entry in ClinVar:

NM_199420.4(POLQ):c.5475G>T (p.Leu1825Phe)

Gene: POLQ (DNA polymerase theta; minus strand). Cytogenetic location: 3q13.33.
Variant type: single nucleotide variant.
Coding change: c.5475G>T on transcript NM_199420.4 (MANE Select); coding-DNA position 5475, G replaced by T.
Protein change: p.Leu1825Phe; replaces leucine 1825 with phenylalanine.
Molecular consequence: missense variant.
Genome position (GRCh38, 1-based): chr3:121,487,456, C>A on the plus strand (G>T on the coding strand, the complement: POLQ is on the minus strand). VCF-style: chr3-121487456-C-A. GRCh37 (hg19) VCF-style: chr3-121206303-C-A.
Other names: short protein forms L1825F.
Identifiers: ClinVar variation 1747766 (VCV001747766.3), dbSNP rs2546784699, ClinGen allele CA354090101.

ClinVar aggregate classification (germline): Uncertain significance (1 of 4 stars; one submission).

Allele frequency attached by ClinVar (database versions not stated): gnomAD exomes below 0.00001.
gnomAD v4.1: 1 of 1,614,022 alleles (0.000062%); highest among the groups gnomAD compares: Non-Finnish European, 0.000085%; no homozygotes.

Submission:

Ambry Genetics
Classification: Uncertain significance. Last evaluated: 2024-06-24. Review status: criteria provided, single submitter. Criteria: Ambry Variant Classification Scheme 2023. Collection method: clinical testing. Allele origin: germline.
Comment: The p.L1825F variant (also known as c.5475G>T), located in coding exon 16 of the POLQ gene, results from a G to T substitution at nucleotide position 5475. The leucine at codon 1825 is replaced by phenylalanine, an amino acid with highly similar properties. This amino acid position is conserved. In addition, this alteration is predicted to be tolerated by in silico analysis. Since supporting evidence is limited at this time, the clinical significance of this alteration remains unclear.